The following is an entry in ClinVar:

ClinVar aggregate classification (germline): Pathogenic (1 of 4 stars; one submission).

Conditions:
Familial adenomatous polyposis 1 (FAP1). Also called: POLYPOSIS, ADENOMATOUS INTESTINAL; FAMILIAL ADENOMATOUS POLYPOSIS 1, ATTENUATED. Identifiers: MedGen C2713442, MONDO:0021056, OMIM 175100. Disease mechanism: loss of function.

Submission:

Labcorp Genetics (formerly Invitae), Labcorp
Classification: Pathogenic for Familial adenomatous polyposis 1. Last evaluated: 2022-06-20. Review status: criteria provided, single submitter. Criteria: Invitae Variant Classification Sherloc (09022015). Collection method: clinical testing. Allele origin: germline.
Comment: This variant has not been reported in the literature in individuals affected with APC-related conditions. This variant is not present in population databases (gnomAD no frequency). This sequence change creates a premature translational stop signal (p.Ser1995*) in the APC gene. While this is not anticipated to result in nonsense mediated decay, it is expected to disrupt the last 849 amino acid(s) of the APC protein. This variant is expected to disrupt the EB1 and HDLG binding sites, which mediate interactions with the cytoskeleton (PMID: 15311282, 17293347). While functional studies have not been performed to directly test the effect on APC protein function, this suggests that disruption of the C-terminal portion of the protein is functionally important. For these reasons, this variant has been classified as Pathogenic. A different truncation (p.Tyr2645Lysfs*14) that lies downstream of this variant has been determined to be pathogenic (PMID: 9824584, 1316610, 27081525, 8381579, 22135120, Invitae). This suggests that deletion of this region of the APC protein is causative of disease.

Literature cited by the submitters: PubMed 15311282; PubMed 17293347; PubMed 9824584; PubMed 1316610; PubMed 27081525; PubMed 8381579; PubMed 22135120.

NM_000038.6(APC):c.5980_5983dup (p.Ser1995Ter)

Gene: APC (APC regulator of Wnt signaling pathway; plus strand). Cytogenetic location: 5q22.2.
Variant type: Duplication.
Coding change: c.5980_5983dup on transcript NM_000038.6 (MANE Select); coding-DNA positions 5980 to 5983, 4 bases duplicated (GACT; older notation c.5980_5983dupGACT).
Protein change: p.Ser1995Ter; replaces serine 1995 with a stop codon.
Molecular consequence: nonsense.
Genome position (GRCh38, 1-based): chr5:112,841,574-112,841,577, GACT duplicated; duplicating any 4 consecutive bases within chr5:112,841,572-112,841,577 gives the same sequence; the c. name uses the placement nearest the transcript's 3' end. VCF-style (leftmost placement, unchanged base first): chr5-112841571-C-CCTGA. GRCh37 (hg19) VCF-style: chr5-112177268-C-CCTGA.
Other names: c.5980_5983dup, p.Ser1995Ter (NM_001127510.3, NM_001354895.2); c.5926_5929dup, p.Ser1977Ter (NM_001127511.3); c.6034_6037dup, p.Ser2013Ter (NM_001354896.2); c.6010_6013dup, p.Ser2005Ter (NM_001354897.2); c.5905_5908dup, p.Ser1970Ter (NM_001354898.2); c.5896_5899dup, p.Ser1967Ter (NM_001354899.2); c.5857_5860dup, p.Ser1954Ter (NM_001354900.2); c.5803_5806dup, p.Ser1936Ter (NM_001354901.2); and 5 more; short protein forms S1954*, S2013*, S1712*, S1835*, S1869*, S1904*, S1967*, S2005*.
Identifiers: ClinVar variation 1458369 (VCV001458369.8), dbSNP rs2149954021, ClinGen allele CA2573138686.